The following is an entry in ClinVar:

ClinVar aggregate classification (germline): Uncertain significance. Review status: criteria provided, multiple submitters, no conflicts (2 of 4 stars). 2 submissions from 2 submitters: Uncertain significance (2). Last evaluated 2024-12-25.

Conditions:
Arrhythmogenic right ventricular dysplasia 13. Also called: ARRHYTHMOGENIC RIGHT VENTRICULAR CARDIOMYOPATHY 13; Arrhythmogenic right ventricular dysplasia, familial, 13. Identifiers: MedGen C3810138, MONDO:0000908, OMIM 615616.

Allele frequency attached by ClinVar (database versions not stated): gnomAD exomes below 0.00001; TOPMed below 0.00001.

Submissions (2):

Ambry Genetics
Classification: Uncertain significance. Last evaluated: 2024-12-25. Review status: criteria provided, single submitter. Criteria: Ambry Variant Classification Scheme 2023. Collection method: clinical testing. Allele origin: germline.

Labcorp Genetics (formerly Invitae), Labcorp
Classification: Uncertain significance for Arrhythmogenic right ventricular dysplasia 13. Last evaluated: 2024-10-09. Review status: criteria provided, single submitter. Criteria: Invitae Variant Classification Sherloc (09022015). Collection method: clinical testing. Allele origin: germline.
Comment: This sequence change replaces isoleucine, which is neutral and non-polar, with threonine, which is neutral and polar, at codon 204 of the CTNNA3 protein (p.Ile204Thr). This variant is present in population databases (no rsID available, gnomAD 0.007%). This variant has not been reported in the literature in individuals affected with CTNNA3-related conditions. ClinVar contains an entry for this variant (Variation ID: 2287712). Invitae Evidence Modeling of protein sequence and biophysical properties (such as structural, functional, and spatial information, amino acid conservation, physicochemical variation, residue mobility, and thermodynamic stability) indicates that this missense variant is not expected to disrupt CTNNA3 protein function with a negative predictive value of 80%. In summary, the available evidence is currently insufficient to determine the role of this variant in disease. Therefore, it has been classified as a Variant of Uncertain Significance.

NM_013266.4(CTNNA3):c.611T>C (p.Ile204Thr)

Gene: CTNNA3 (catenin alpha 3; minus strand). Cytogenetic location: 10q21.3.
Variant type: single nucleotide variant.
Coding change: c.611T>C on transcript NM_013266.4 (MANE Select); coding-DNA position 611, T replaced by C.
Protein change: p.Ile204Thr; replaces isoleucine 204 with threonine.
Molecular consequence: missense variant.
Genome position (GRCh38, 1-based): chr10:67,219,839, A>G on the plus strand (T>C on the coding strand, the complement: CTNNA3 is on the minus strand). VCF-style: chr10-67219839-A-G. GRCh37 (hg19) VCF-style: chr10-68979597-A-G.
Other names: c.611T>C, p.Ile204Thr (NM_001127384.3); c.647T>C, p.Ile216Thr (NM_001291133.2); short protein forms I204T, I216T.
Identifiers: ClinVar variation 2287712 (VCV002287712.5), dbSNP rs1281516170, ClinGen allele CA377095958.